The following is an entry in ClinVar:

ClinVar aggregate classification (germline): Uncertain significance (1 of 4 stars; one submission).

Allele frequency attached by ClinVar (database versions not stated): gnomAD exomes below 0.00001; ExAC 0.00001; gnomAD 0.00001; TOPMed 0.00001.

Submission:

GeneDx
Classification: Uncertain significance. Last evaluated: 2022-05-31. Review status: criteria provided, single submitter. Criteria: GeneDx Variant Classification Process June 2021. Collection method: clinical testing. Allele origin: germline. Affected: yes.
Comment: In silico analysis supports that this missense variant has a deleterious effect on protein structure/function; Has not been previously published as pathogenic or benign to our knowledge

NM_001374828.1(ARID1B):c.2545C>T (p.Pro849Ser)

Gene: ARID1B (AT-rich interaction domain 1B; plus strand). Cytogenetic location: 6q25.3.
Variant type: single nucleotide variant.
Coding change: c.2545C>T on transcript NM_001374828.1 (MANE Select); coding-DNA position 2545, C replaced by T.
Protein change: p.Pro849Ser; replaces proline 849 with serine.
Molecular consequence: missense variant.
Genome position (GRCh38, 1-based): chr6:157,110,525, C>T. VCF-style: chr6-157110525-C-T. GRCh37 (hg19) VCF-style: chr6-157431659-C-T.
Other names: c.2296C>T, p.Pro766Ser (NM_001346813.1); c.46C>T, p.Pro16Ser (NM_001363725.2); c.2584C>T, p.Pro862Ser (NM_001371656.1, NM_001374820.1); c.2545C>T, p.Pro849Ser (NM_017519.3); c.2335C>T, p.Pro779Ser (NM_020732.3); c.2122C>T, p.Pro708Ser (NM_175863.2); short protein forms P16S, P708S, P766S, P779S, P849S, P862S.
Identifiers: ClinVar variation 1801924 (VCV001801924.1), dbSNP rs777845775, ClinGen allele CA4067073.